The following is an entry in ClinVar:

ClinVar aggregate classification (germline): Conflicting classifications of pathogenicity. Review status: criteria provided, conflicting classifications (1 of 4 stars). 4 submissions from 4 submitters: Uncertain significance (1); Benign (2); Likely benign (1). Last evaluated 2026-06-24.

Conditions:
Retinoblastoma (RB1). Also called: RETINOBLASTOMA, SOMATIC. Identifiers: Orphanet 790, MedGen C0035335, MeSH D012175, MONDO:0008380, OMIM 180200, HP:0009919. Disease mechanism: loss of function. Inheritance: Both sporadic and heritable forms are tested..
Hereditary cancer-predisposing syndrome. Also called: Hereditary neoplastic syndrome; Hereditary Cancer Syndrome; Neoplastic Syndromes, Hereditary; Tumor predisposition. Identifiers: Orphanet 140162, MedGen C0027672, MeSH D009386, MONDO:0015356.

Submissions (4):

Myriad Genetics, Inc.
Classification: Benign for Retinoblastoma. Last evaluated: 2026-06-24. Review status: criteria provided, single submitter. Criteria: Myriad Autosomal Dominant, Autosomal Recessive and X-Linked Classification Criteria (2023). Collection method: clinical testing. Allele origin: unknown.
Comment: This variant is considered benign. This variant is intronic and is not expected to impact mRNA splicing. This variant has been observed at a population frequency that is significantly greater than expected given the associated disease prevalence and penetrance.

Labcorp Genetics (formerly Invitae), Labcorp
Classification: Benign for Retinoblastoma. Last evaluated: 2026-02-03. Review status: criteria provided, single submitter. Criteria: Invitae Variant Classification Sherloc (09022015). Collection method: clinical testing. Allele origin: germline.

Color Diagnostics, LLC DBA Color Health
Classification: Likely benign for Retinoblastoma. Last evaluated: 2022-04-28. Review status: criteria provided, single submitter. Criteria: ACMG Guidelines, 2015. Collection method: clinical testing. Allele origin: germline.

Sema4
Classification: Uncertain significance for Hereditary cancer-predisposing syndrome. Last evaluated: 2021-07-12. Review status: criteria provided, single submitter. Criteria: Sema4 Curation Guidelines. Collection method: curation. Allele origin: germline.
Comment: The RB1 c.1333-9dupT variant has not been reported in the literature to our knowledge. It was observed in 12/273604 chromosomes in the large and broad cohorts of the Genome Aggregation Database (PMID: 32461654). This sequence change is not predicted to affect RNA splicing, but this prediction has not been confirmed by functional studies. The variant has been reported in ClinVar (Variation ID 312289). The evidence is insufficient to meet ACMG/AMP criteria for classifying the variant as benign or pathogenic. Thus, the clinical significance of this variant is currently uncertain.

NM_000321.3(RB1):c.1333-9dup

Gene: RB1 (RB transcriptional corepressor 1; plus strand). Cytogenetic location: 13q14.2.
Variant type: Duplication.
Coding change: c.1333-9dup on transcript NM_000321.3 (MANE Select); 9 bases into the intron before coding-DNA position 1333, one base duplicated (T; older notation c.1333-9dupT).
Molecular consequence: intron variant.
Genome position (GRCh38, 1-based): chr13:48,379,585, T duplicated; the last of 3 consecutive T bases (chr13:48,379,583-48,379,585); duplicating any one gives the same sequence. VCF-style (leftmost placement, unchanged base first): chr13-48379582-G-GT. GRCh37 (hg19) VCF-style: chr13-48953718-G-GT.
Identifiers: ClinVar variation 312289 (VCV000312289.14), dbSNP rs766968771, ClinGen allele CA028181.